The following is an entry in ClinVar:

NM_015512.5(DNAH1):c.9734A>G (p.Lys3245Arg)

Gene: DNAH1 (dynein axonemal heavy chain 1; plus strand). Cytogenetic location: 3p21.1.
Variant type: single nucleotide variant.
Coding change: c.9734A>G on transcript NM_015512.5 (MANE Select); coding-DNA position 9734, A replaced by G.
Protein change: p.Lys3245Arg; replaces lysine 3245 with arginine.
Molecular consequence: missense variant.
Genome position (GRCh38, 1-based): chr3:52,391,047, A>G. VCF-style: chr3-52391047-A-G. GRCh37 (hg19) VCF-style: chr3-52425063-A-G.
Other names: short protein forms K3245R.
Identifiers: ClinVar variation 1005133 (VCV001005133.2), dbSNP rs375983121, ClinGen allele CA2435593.

ClinVar aggregate classification (germline): Uncertain significance (1 of 4 stars; one submission).

Conditions:
Spermatogenic failure 18. Identifiers: MedGen C4539783, MONDO:0054615, OMIM 617576.
Ciliary dyskinesia, primary, 37 (CILD37). Also called: CILIARY DYSKINESIA, PRIMARY, 37, WITH OR WITHOUT SITUS INVERSUS. Identifiers: MedGen C4539798, MONDO:0033204, OMIM 617577.

Allele frequency attached by ClinVar (database versions not stated): gnomAD exomes below 0.00001 and 0.00001; ExAC 0.00004; gnomAD 0.00004; ESP Exome Variant Server 0.00008; TOPMed 0.00011; 1000 Genomes Project 30x 0.00016; 1000 Genomes Project 0.00020.
gnomAD v4.1: 13 of 1,564,010 alleles (0.00083%); highest among the groups gnomAD compares: African/African-American, 0.014%; no homozygotes.

Submission:

Labcorp Genetics (formerly Invitae), Labcorp
Classification: Uncertain significance for Ciliary dyskinesia, primary, 37; Spermatogenic failure 18. Last evaluated: 2022-07-12. Review status: criteria provided, single submitter. Criteria: Invitae Variant Classification Sherloc (09022015). Collection method: clinical testing. Allele origin: germline.
Comment: This sequence change replaces lysine, which is basic and polar, with arginine, which is basic and polar, at codon 3245 of the DNAH1 protein (p.Lys3245Arg). This variant is present in population databases (rs375983121, gnomAD 0.01%). This variant has not been reported in the literature in individuals affected with DNAH1-related conditions. ClinVar contains an entry for this variant (Variation ID: 1005133). Algorithms developed to predict the effect of missense changes on protein structure and function are either unavailable or do not agree on the potential impact of this missense change (SIFT: "Deleterious"; PolyPhen-2: "Benign"; Align-GVGD: "Class C0"). In summary, the available evidence is currently insufficient to determine the role of this variant in disease. Therefore, it has been classified as a Variant of Uncertain Significance.